The following is an entry in ClinVar:

NM_001098511.3(KIF2A):c.1479A>C (p.Arg493Ser)

Gene: KIF2A (kinesin family member 2A; plus strand). Cytogenetic location: 5q12.1.
Variant type: single nucleotide variant.
Coding change: c.1479A>C on transcript NM_001098511.3 (MANE Select); coding-DNA position 1479, A replaced by C.
Protein change: p.Arg493Ser; replaces arginine 493 with serine.
Molecular consequence: missense variant.
Genome position (GRCh38, 1-based): chr5:62,365,254, A>C. VCF-style: chr5-62365254-A-C. GRCh37 (hg19) VCF-style: chr5-61661081-A-C.
Other names: c.1398A>C, p.Arg466Ser (NM_001243952.2); c.1422A>C, p.Arg474Ser (NM_001243953.2); c.1479A>C, p.Arg493Ser (NM_004520.5); short protein forms R466S, R474S, R493S.
Identifiers: ClinVar variation 2574401 (VCV002574401.1), dbSNP rs2531361914, ClinGen allele CA359951707.
Genomic context (GRCh38, chr5:62,365,254, plus strand): 5'-TCCTTTATAAGAAAGACTAATCTGTGAGACTTGTTTTCTTAATTTTCAGGAGTGCATCAG[A>C]GCCTTAGGTAGAAATAAACCTCATACTCCTTTCCGTGCAAGTAAACTCACTCAGGTGTTA-3'
Protein context (NP_001091981.1, residues 483-503): KSLLALKECI[Arg493Ser]ALGRNKPHTP

ClinVar aggregate classification (germline): Uncertain significance (1 of 4 stars; one submission).

Submission:

GeneDx
Classification: Uncertain significance. Last evaluated: 2023-01-25. Review status: criteria provided, single submitter. Criteria: GeneDx Variant Classification Process June 2021. Collection method: clinical testing. Allele origin: germline. Affected: yes.
Comment: Not observed at significant frequency in large population cohorts (gnomAD); In silico analysis supports that this missense variant has a deleterious effect on protein structure/function; Has not been previously published as pathogenic or benign to our knowledge